The following is an entry in ClinVar:

NM_006497.4(HIC1):c.1416C>T (p.Asp472=)

Genes: HIC1 (HIC ZBTB transcriptional repressor 1; plus strand), LOC130059916 (ATAC-STARR-seq lymphoblastoid silent region 7981; plus strand). Cytogenetic location: 17p13.3.
Variant type: single nucleotide variant.
Coding change: c.1416C>T on transcript NM_006497.4 (MANE Select); coding-DNA position 1416, C replaced by T.
Protein change: p.Asp472=; no amino-acid change (aspartic acid 472 retained).
Molecular consequence: synonymous variant.
Genome position (GRCh38, 1-based): chr17:2,058,106, C>T. VCF-style: chr17-2058106-C-T. GRCh37 (hg19) VCF-style: chr17-1961400-C-T.
Other names: c.1473C>T, p.Asp491= (NM_001098202.1).
Identifiers: ClinVar variation 720012 (VCV000720012.12), dbSNP rs201813917, ClinGen allele CA8277931.
Genomic context (GRCh38, chr17:2,058,106, plus strand): 5'-GGCGGCCGAAGTGGCCGCTGGGGCCGCCGGCCTAGGGCCCCCTTTTGGAGGCGGCGGGGA[C>T]AAGGTCGCCGGGGCTCCGGGTGGCCTGGGAGAGCTGCTGCGGCCCTACCGCTGCGCGTCG-3'
Protein context (NP_006488.2, residues 462-482): GLGPPFGGGG[Asp472=]KVAGAPGGLG

ClinVar aggregate classification (germline): Benign/Likely benign. Review status: criteria provided, multiple submitters, no conflicts (2 of 4 stars). 3 submissions from 3 submitters: Benign (2); Likely benign (1). Last evaluated 2025-07-01.

Allele frequency attached by ClinVar (database versions not stated): 1000 Genomes Project 0.00140; 1000 Genomes Project 30x 0.00141; ESP Exome Variant Server 0.00292; TOPMed 0.00311; gnomAD 0.00321 and 0.00324; gnomAD exomes 0.00368 and 0.00434; ExAC 0.00617.
gnomAD v4.1: 6,740 of 1,595,892 alleles (0.42%); highest among the groups gnomAD compares: Non-Finnish European, 0.5%; 18 homozygotes.

Submissions (3):

CeGaT Center for Human Genetics Tuebingen
Classification: Likely benign. Last evaluated: 2025-07-01. Review status: criteria provided, single submitter. Criteria: CeGaT Center For Human Genetics Tuebingen Variant Classification Criteria Version 2. Collection method: clinical testing. Allele origin: germline. Affected: yes. Observed: 1 variant allele.
Comment: HIC1: BP4, BP7, BS2

Labcorp Genetics (formerly Invitae), Labcorp
Classification: Benign. Last evaluated: 2017-12-13. Review status: criteria provided, single submitter. Criteria: Invitae Variant Classification Sherloc (09022015). Collection method: clinical testing. Allele origin: germline.

Breakthrough Genomics
Classification: Benign. Review status: criteria provided, single submitter. Criteria: ACMG Guidelines, 2015. Collection method: not provided. Allele origin: germline. Inheritance: Unknown mechanism. Affected: yes.